The following is an entry in ClinVar:

ClinVar aggregate classification (germline): Uncertain significance (1 of 4 stars; one submission).

Conditions:
Adams-Oliver syndrome 5 (AOS5). Identifiers: Orphanet 974, MedGen C4014970, MONDO:0014459, OMIM 616028.

Submission:

Labcorp Genetics (formerly Invitae), Labcorp
Classification: Uncertain significance for Adams-Oliver syndrome 5. Last evaluated: 2021-12-23. Review status: criteria provided, single submitter. Criteria: Invitae Variant Classification Sherloc (09022015). Collection method: clinical testing. Allele origin: germline.
Comment: Advanced modeling of protein sequence and biophysical properties (such as structural, functional, and spatial information, amino acid conservation, physicochemical variation, residue mobility, and thermodynamic stability) performed at Invitae indicates that this missense variant is expected to disrupt NOTCH1 protein function. This variant has not been reported in the literature in individuals affected with NOTCH1-related conditions. This variant is not present in population databases (gnomAD no frequency). This sequence change replaces cysteine, which is neutral and slightly polar, with glycine, which is neutral and non-polar, at codon 893 of the NOTCH1 protein (p.Cys893Gly). In summary, the available evidence is currently insufficient to determine the role of this variant in disease. Therefore, it has been classified as a Variant of Uncertain Significance.

NM_017617.5(NOTCH1):c.2677T>G (p.Cys893Gly)

Gene: NOTCH1 (notch receptor 1; minus strand). Cytogenetic location: 9q34.3.
Variant type: single nucleotide variant.
Coding change: c.2677T>G on transcript NM_017617.5 (MANE Select); coding-DNA position 2677, T replaced by G.
Protein change: p.Cys893Gly; replaces cysteine 893 with glycine.
Molecular consequence: missense variant.
Genome position (GRCh38, 1-based): chr9:136,510,716, A>C on the plus strand (T>G on the coding strand, the complement: NOTCH1 is on the minus strand). VCF-style: chr9-136510716-A-C. GRCh37 (hg19) VCF-style: chr9-139405168-A-C.
Other names: short protein forms C893G.
Identifiers: ClinVar variation 2055769 (VCV002055769.4), dbSNP rs1843166673, ClinGen allele CA375554889.